The following is an entry in ClinVar:

NM_003073.5(SMARCB1):c.788T>C (p.Ile263Thr)

Gene: SMARCB1 (SWI/SNF related BAF chromatin remodeling complex subunit B1; plus strand). Cytogenetic location: 22q11.23.
Variant type: single nucleotide variant.
Coding change: c.788T>C on transcript NM_003073.5 (MANE Select); coding-DNA position 788, T replaced by C.
Protein change: p.Ile263Thr; replaces isoleucine 263 with threonine.
Molecular consequence: missense variant.
Genome position (GRCh38, 1-based): chr22:23,816,929, T>C. VCF-style: chr22-23816929-T-C. GRCh37 (hg19) VCF-style: chr22-24159116-T-C.
Other names: c.761T>C, p.Ile254Thr (NM_001007468.3); c.815T>C, p.Ile272Thr (NM_001317946.2); c.842T>C, p.Ile281Thr (NM_001362877.2); short protein forms I254T, I263T, I272T, I281T.
Identifiers: ClinVar variation 3223087 (VCV003223087.1), dbSNP rs2146010573, ClinGen allele CA410902039.

ClinVar aggregate classification (germline): Uncertain significance (1 of 4 stars; one submission).

Conditions:
Hereditary cancer-predisposing syndrome. Also called: Tumor predisposition; Hereditary neoplastic syndrome; Hereditary Cancer Syndrome; Neoplastic Syndromes, Hereditary. Identifiers: Orphanet 140162, MedGen C0027672, MeSH D009386, MONDO:0015356.

Submission:

Ambry Genetics
Classification: Uncertain significance for Hereditary cancer-predisposing syndrome. Last evaluated: 2024-02-14. Review status: criteria provided, single submitter. Criteria: Ambry Variant Classification Scheme 2023. Collection method: clinical testing. Allele origin: germline.
Comment: The p.I263T variant (also known as c.788T>C), located in coding exon 6 of the SMARCB1 gene, results from a T to C substitution at nucleotide position 788. The isoleucine at codon 263 is replaced by threonine, an amino acid with similar properties. This amino acid position is highly conserved in available vertebrate species. In addition, this alteration is predicted to be deleterious by in silico analysis. Based on the available evidence, the clinical significance of this alteration remains unclear.